The following is an entry in ClinVar:

NM_001374736.1(DST):c.4990G>A (p.Val1664Ile)

Gene: DST (dystonin; minus strand). Cytogenetic location: 6p12.1.
Variant type: single nucleotide variant.
Coding change: c.4990G>A on transcript NM_001374736.1 (MANE Select); coding-DNA position 4990, G replaced by A.
Protein change: p.Val1664Ile; replaces valine 1664 with isoleucine.
Molecular consequence: missense variant.
Genome position (GRCh38, 1-based): chr6:56,614,424, C>T on the plus strand (G>A on the coding strand, the complement: DST is on the minus strand). VCF-style: chr6-56614424-C-T. GRCh37 (hg19) VCF-style: chr6-56479222-C-T.
Other names: p.Val1127Ile; c.4891G>A, p.Val1631Ile (NM_001144769.5); c.4477G>A, p.Val1493Ile (NM_001144770.2); c.4990G>A, p.Val1664Ile (NM_001374722.1); c.4357G>A, p.Val1453Ile (NM_001374729.1, NM_001374730.1, NM_001386100.1 and 1 more transcripts); c.5017G>A, p.Val1673Ile (NM_001374734.1); c.3379G>A, p.Val1127Ile (NM_015548.5); short protein forms V1631I, V1673I, V1127I, V1493I, V1453I, V1664I.
Identifiers: ClinVar variation 4541179 (VCV004541179.1).
Genomic context (GRCh38, chr6:56,614,424, plus strand): 5'-TAGAGAAGGGAGGTTTTCCAGCCTTCTCTGCATCTTTCAATGTCTTGCTGATATTTGATA[C>T]CCATTTTTGCAATTCTTTGGCTTTTTCAACATGTTCTTTCTTTTCTTCTTCCAGTGACTT-3'
Protein context (NP_001361665.1, residues 1654-1674): VEKAKELQKW[Val1664Ile]SNISKTLKDA

ClinVar aggregate classification (germline): Uncertain significance (1 of 4 stars; one submission).

gnomAD v4.1: 2 of 1,610,646 alleles (0.00012%); highest among the groups gnomAD compares: Non-Finnish European, 0.000085%; no homozygotes.

Submission:

Mayo Clinic Laboratories, Mayo Clinic
Classification: Uncertain significance. Last evaluated: 2025-10-19. Review status: criteria provided, single submitter. Criteria: ACMG Guidelines, 2015. Collection method: clinical testing. Allele origin: germline. Observed: 2 variant alleles.
Comment: BP4_moderate, PM2_supporting